The following is an entry in ClinVar:

NM_002439.5(MSH3):c.1871G>A (p.Gly624Glu)

Gene: MSH3 (mutS homolog 3; plus strand). Cytogenetic location: 5q14.1.
Variant type: single nucleotide variant.
Coding change: c.1871G>A on transcript NM_002439.5 (MANE Select); coding-DNA position 1871, G replaced by A.
Protein change: p.Gly624Glu; replaces glycine 624 with glutamic acid.
Molecular consequence: missense variant.
Genome position (GRCh38, 1-based): chr5:80,761,653, G>A. VCF-style: chr5-80761653-G-A. GRCh37 (hg19) VCF-style: chr5-80057472-G-A.
Other names: short protein forms G624E.
Identifiers: ClinVar variation 3874987 (VCV003874987.1).
Genomic context (GRCh38, chr5:80,761,653, plus strand): 5'-AATCTAGTGTGTTTGGTCAGATAGAAAATCATCTACGTAAATTGCCCGACATAGAGAGGG[G>A]ACTCTGTAGCATTTATCACAAAAAAGTAAGTGTGATAGAAATCTATTAAAGCTGACAGTG-3'
Protein context (NP_002430.3, residues 614-634): HLRKLPDIER[Gly624Glu]LCSIYHKKCS

ClinVar aggregate classification (germline): Uncertain significance (1 of 4 stars; one submission).

Conditions:
Hereditary cancer-predisposing syndrome. Also called: Tumor predisposition; Neoplastic Syndromes, Hereditary; Hereditary Cancer Syndrome; Hereditary neoplastic syndrome. Identifiers: Orphanet 140162, MedGen C0027672, MeSH D009386, MONDO:0015356.

Submission:

Ambry Genetics
Classification: Uncertain significance for Hereditary cancer-predisposing syndrome. Last evaluated: 2025-02-09. Review status: criteria provided, single submitter. Criteria: Ambry Variant Classification Scheme 2023. Collection method: clinical testing. Allele origin: germline.
Comment: The p.G624E variant (also known as c.1871G>A), located in coding exon 13 of the MSH3 gene, results from a G to A substitution at nucleotide position 1871. The glycine at codon 624 is replaced by glutamic acid, an amino acid with similar properties. This amino acid position is conserved. In addition, this alteration is predicted to be deleterious by in silico analysis. Based on the available evidence, the clinical significance of this variant remains unclear.